The following is an entry in ClinVar:

ClinVar aggregate classification (germline): Conflicting classifications of pathogenicity. Review status: criteria provided, conflicting classifications (1 of 4 stars). 3 submissions from 3 submitters: Uncertain significance (2); Likely benign (1). Last evaluated 2025-06-23.

Conditions:
Long QT syndrome (LQTS). Identifiers: MedGen C0023976, MeSH D008133, MONDO:0002442. Disease mechanism: loss of function. Inheritance: Various modes of inheritance.
Cardiovascular phenotype. Identifiers: MedGen CN230736.

Allele frequency attached by ClinVar (database versions not stated): gnomAD 0.00001 and 0.00002; TOPMed 0.00001; ExAC 0.00002; gnomAD exomes 0.00002; ESP Exome Variant Server 0.00008.
gnomAD v4.1: 20 of 1,613,332 alleles (0.0012%); highest among the groups gnomAD compares: Admixed American, 0.0033%; no homozygotes.

Submissions (3):

Ambry Genetics
Classification: Uncertain significance for Cardiovascular phenotype. Last evaluated: 2025-06-23. Review status: criteria provided, single submitter. Criteria: Ambry Variant Classification Scheme 2023. Collection method: clinical testing. Allele origin: germline.
Comment: The p.P1381L variant (also known as c.4142C>T), located in coding exon 14 of the AKAP9 gene, results from a C to T substitution at nucleotide position 4142. The proline at codon 1381 is replaced by leucine, an amino acid with similar properties. This amino acid position is poorly conserved in available vertebrate species. In addition, this alteration is predicted to be tolerated by in silico analysis. The evidence for this gene-disease relationship is limited; therefore, the clinical significance of this alteration is unclear.

Blueprint Genetics
Classification: Likely benign. Last evaluated: 2024-02-28. Review status: criteria provided, single submitter. Criteria: ACMG Guidelines, 2015. Collection method: clinical testing. Allele origin: germline.

Labcorp Genetics (formerly Invitae), Labcorp
Classification: Uncertain significance for Long QT syndrome. Last evaluated: 2024-01-02. Review status: criteria provided, single submitter. Criteria: Invitae Variant Classification Sherloc (09022015). Collection method: clinical testing. Allele origin: germline.
Comment: This sequence change replaces proline, which is neutral and non-polar, with leucine, which is neutral and non-polar, at codon 1381 of the AKAP9 protein (p.Pro1381Leu). This variant is present in population databases (rs148726562, gnomAD 0.005%). This variant has not been reported in the literature in individuals affected with AKAP9-related conditions. ClinVar contains an entry for this variant (Variation ID: 1036566). An algorithm developed to predict the effect of missense changes on protein structure and function (PolyPhen-2) suggests that this variant is likely to be tolerated. In summary, the available evidence is currently insufficient to determine the role of this variant in disease. Therefore, it has been classified as a Variant of Uncertain Significance.

NM_005751.5(AKAP9):c.4142C>T (p.Pro1381Leu)

Gene: AKAP9 (A-kinase anchoring protein 9; plus strand). Cytogenetic location: 7q21.2.
Variant type: single nucleotide variant.
Coding change: c.4142C>T on transcript NM_005751.5 (MANE Select); coding-DNA position 4142, C replaced by T.
Protein change: p.Pro1381Leu; replaces proline 1381 with leucine.
Molecular consequence: missense variant.
Genome position (GRCh38, 1-based): chr7:92,023,003, C>T. VCF-style: chr7-92023003-C-T. GRCh37 (hg19) VCF-style: chr7-91652317-C-T.
Other names: c.4142C>T, p.Pro1381Leu (NM_147185.3); c.4142C>T (NM_005751.4); short protein forms P1381L.
Identifiers: ClinVar variation 1036566 (VCV001036566.13), dbSNP rs148726562, ClinGen allele CA4336485.